The following is an entry in ClinVar:

NM_000091.5(COL4A3):c.3575G>A (p.Gly1192Glu)

Genes: COL4A3 (collagen type IV alpha 3 chain; plus strand), MFF-DT (MFF divergent transcript; minus strand). Cytogenetic location: 2q36.3.
Variant type: single nucleotide variant.
Coding change: c.3575G>A on transcript NM_000091.5 (MANE Select); coding-DNA position 3575, G replaced by A.
Protein change: p.Gly1192Glu; replaces glycine 1192 with glutamic acid.
Molecular consequence: missense variant.
Genome position (GRCh38, 1-based): chr2:227,297,683, G>A. VCF-style: chr2-227297683-G-A. GRCh37 (hg19) VCF-style: chr2-228162399-G-A.
Other names: short protein forms G1192E.
Identifiers: ClinVar variation 635543 (VCV000635543.9), dbSNP rs1574823172, ClinGen allele CA350859902.

ClinVar aggregate classification (germline): Pathogenic/Likely pathogenic. Review status: criteria provided, multiple submitters, no conflicts (2 of 4 stars). 7 submissions from 6 submitters: Pathogenic (1); Likely pathogenic (5). 1 of the submissions does not count toward it. Last evaluated 2025-09-17.

Conditions:
Alport syndrome. Also called: Hemorrhagic familial nephritis; Hemorrhagic hereditary nephritis; Congenital hereditary hematuria. Identifiers: Orphanet 63, MedGen C1567741, MONDO:0018965.
COL4A3-related disorder. Also called: COL4A3-Related Disorders; COL4A3-related condition.
Pilarowski-Bjornsson syndrome. Also called: DEVELOPMENTAL DELAY AND SPEECH APRAXIA WITH OR WITHOUT SEIZURES. Identifiers: Orphanet 529965, MedGen C4540131, MONDO:0060568, OMIM 617682.
Autosomal dominant Alport syndrome (ATS3A). Also called: Alport syndrome dominant type; Renal failure and sensorineural hearing loss; ALPORT SYNDROME 3A, AUTOSOMAL DOMINANT. Identifiers: Orphanet 63, Orphanet 88918, MedGen C5882663, MONDO:0007086, OMIM 104200.
Alport syndrome 3b, autosomal recessive. Identifiers: MedGen C5882699, MONDO:0957811, OMIM 620536.
Hematuria, benign familial, 2 (BFH2). Identifiers: MedGen C5830421, MONDO:0958186, OMIM 620320.
Autosomal recessive Alport syndrome (ATS2). Also called: COL4A4 Alport Syndrome and Thin Basement Membrane Nephropathy; Alport syndrome type 2; COL4A3-Related Nephropathy; ALPORT SYNDROME 2, AUTOSOMAL RECESSIVE. Identifiers: Orphanet 63, Orphanet 88919, MedGen C4746745, MONDO:0008762, OMIM 203780.

Submissions (7):

Natera, Inc.
Classification: Pathogenic for Alport syndrome. Last evaluated: 2025-09-17. Review status: criteria provided, single submitter. Criteria: Natera Variant Classification Schema (03/2026). Collection method: clinical testing. Allele origin: germline.
Comment: The c.3575G>A variant in COL4A3 is a missense variant predicted to cause substitution of glycine to glutamic acid at amino acid 1192. This variant is rare in the general population with a frequency below the threshold expected for the associated phenotype(s). This variant has been observed in one or more individuals affected with the associated recessive disease, as either homozygous or compound heterozygous with a second variant (PMID: 34215756, 33772369, 35485766). This variant has been observed in affected individual(s) with monoallelic occurrence (heterozygous/hemizygous) (PMID: 26809805, 35099770, 36130833). This variant is located in a functionally critical region of the protein. Computational prediction algorithms indicate this variant is likely to affect gene or protein function. Given the available evidence, this variant is classified as Pathogenic.

Women's Health and Genetics/Laboratory Corporation of America, LabCorp
Classification: Likely pathogenic for Autosomal recessive Alport syndrome. Last evaluated: 2024-03-28. Review status: criteria provided, single submitter. Criteria: LabCorp Variant Classification Summary - May 2015. Collection method: clinical testing. Allele origin: germline.
Comment: Variant summary: COL4A3 c.3575G>A (p.Gly1192Glu) results in a non-conservative amino acid change in the encoded protein sequence. Five of five in-silico tools predict a damaging effect of the variant on protein function. The variant was absent in 235648 control chromosomes. c.3575G>A has been reported in the literature in individuals affected with Alport Syndrome, Autosomal Recessive and Autosomal Dominant(Weber_2016, Zhang_2021, Garcia-Aznar_2022, Wang_2021, Leenen_2022). These data indicate that the variant is likely to be associated with disease. To our knowledge, no experimental evidence demonstrating an impact on protein function has been reported. The following publications have been ascertained in the context of this evaluation (PMID: 36013122, 35485766, 34215756, 26809805, 33772369). ClinVar contains an entry for this variant (Variation ID: 635543). Based on the evidence outlined above, the variant was classified as likely pathogenic.

Women's Health and Genetics/Laboratory Corporation of America, LabCorp
Classification: Likely pathogenic for Pilarowski-Bjornsson syndrome. Last evaluated: 2024-03-28. Review status: criteria provided, single submitter. Criteria: LabCorp Variant Classification Summary - May 2015. Collection method: clinical testing. Allele origin: germline.
Comment: Variant summary: CHD1 c.3575G>A (p.Gly1192Asp) results in a non-conservative amino acid change located in the CDH1/2, SANT-Helical linker 1 (IPR040793) of the encoded protein sequence. Three of five in-silico tools predict a damaging effect of the variant on protein function. The variant was absent in 249478 control chromosomes. The available data on variant occurrences in the general population are insufficient to allow any conclusion about variant significance. To our knowledge, no occurrence of c.3575G>A in individuals affected with Pilarowski-Bjornsson Syndrome and no experimental evidence demonstrating its impact on protein function have been reported. No submitters have cited clinical-significance assessments for this variant to ClinVar after 2014. Based on the evidence outlined above, the variant was classified as uncertain significance.

Fulgent Genetics
Classification: Likely pathogenic for Autosomal dominant Alport syndrome; Hematuria, benign familial, 2; Alport syndrome 3b, autosomal recessive. Last evaluated: 2024-03-26. Review status: criteria provided, single submitter. Criteria: ACMG Guidelines, 2015. Collection method: clinical testing. Allele origin: germline.

Blueprint Genetics
Classification: Likely pathogenic for COL4A3-related disorders. Last evaluated: 2023-04-18. Review status: criteria provided, single submitter. Criteria: ACMG Guidelines, 2015. Collection method: clinical testing. Allele origin: germline. Affected: yes. Observed: 1 variant allele.

Precision Medicine Center, Zhengzhou University
Classification: Likely pathogenic for Autosomal recessive Alport syndrome. Review status: criteria provided, single submitter. Criteria: ACMG Guidelines, 2015. Collection method: research. Allele origin: germline. Affected: yes.
Comment: PM1:Located in a mutational hot spot PM2:not found in gnomAD PP2:Missense variant in a gene that has a low rate of benign missense variation and in which missense variants are a common mechanism of disease PP3:Multiple lines of computational evidence support a deleterious effect on the gene or gene product

Bioscientia Institut fuer Medizinische Diagnostik GmbH, Sonic Healthcare
Classification: Pathogenic for Autosomal dominant Alport syndrome. Last evaluated: 2019-01-15. Review status: no assertion criteria provided. Collection method: clinical testing. Allele origin: germline. Affected: yes. Not counted in ClinVar's aggregate classification.

Literature cited by the submitters: PubMed 34215756 (cited by Natera, Inc. and Women's Health and Genetics/Laboratory Corporation of America, LabCorp); PubMed 33772369 (cited by Natera, Inc. and Women's Health and Genetics/Laboratory Corporation of America, LabCorp); PubMed 35485766 (cited by Natera, Inc. and Women's Health and Genetics/Laboratory Corporation of America, LabCorp); PubMed 26809805 (cited by Natera, Inc. and Women's Health and Genetics/Laboratory Corporation of America, LabCorp); PubMed 35099770 (cited by Natera, Inc.); PubMed 36130833 (cited by Natera, Inc.); PubMed 36013122 (cited by Women's Health and Genetics/Laboratory Corporation of America, LabCorp).